The following is an entry in ClinVar:

ClinVar aggregate classification (germline): Likely benign (1 of 4 stars; one submission).

Allele frequency attached by ClinVar (database versions not stated): ExAC 0.00002; gnomAD 0.00002; TOPMed 0.00002.

Submission:

CeGaT Center for Human Genetics Tuebingen
Classification: Likely benign. Last evaluated: 2022-09-01. Review status: criteria provided, single submitter. Criteria: CeGaT Center For Human Genetics Tuebingen Variant Classification Criteria Version 2. Collection method: clinical testing. Allele origin: germline. Affected: yes. Observed: 1 variant allele.
Comment: NLRC5: BP4

NM_001384950.1(NLRC5):c.1591A>C (p.Lys531Gln)

Gene: NLRC5 (NLR family CARD domain containing 5; plus strand). Cytogenetic location: 16q13.
Variant type: single nucleotide variant.
Coding change: c.1591A>C on transcript NM_001384950.1 (MANE Select); coding-DNA position 1591, A replaced by C.
Protein change: p.Lys531Gln; replaces lysine 531 with glutamine.
Molecular consequence: missense variant. On other transcripts: non-coding transcript variant (9).
Genome position (GRCh38, 1-based): chr16:57,026,534, A>C. VCF-style: chr16-57026534-A-C. GRCh37 (hg19) VCF-style: chr16-57060446-A-C.
Other names: c.1591A>C, p.Lys531Gln (NM_001384962.1, NM_001384963.1, NM_001384964.1 and 21 more transcripts); c.1420A>C, p.Lys474Gln (NM_001384972.1); short protein forms K474Q, K531Q.
Identifiers: ClinVar variation 2646554 (VCV002646554.24), dbSNP rs753954614, ClinGen allele CA8071826.